The following is an entry in ClinVar:

ClinVar aggregate classification (germline): Uncertain significance (1 of 4 stars; one submission).

Allele frequency attached by ClinVar (database versions not stated): gnomAD exomes 0.00001; TOPMed 0.00001; ExAC 0.00003.
gnomAD v4.1: 10 of 1,606,886 alleles (0.00062%); highest among the groups gnomAD compares: Middle Eastern, 0.017%; no homozygotes.

Submission:

Labcorp Genetics (formerly Invitae), Labcorp
Classification: Uncertain significance. Last evaluated: 2024-01-01. Review status: criteria provided, single submitter. Criteria: Invitae Variant Classification Sherloc (09022015). Collection method: clinical testing. Allele origin: germline.
Comment: This sequence change replaces lysine, which is basic and polar, with asparagine, which is neutral and polar, at codon 244 of the ZNF687 protein (p.Lys244Asn). This variant is present in population databases (rs763363149, gnomAD 0.01%). This variant has not been reported in the literature in individuals affected with ZNF687-related conditions. An algorithm developed to predict the effect of missense changes on protein structure and function (PolyPhen-2) suggests that this variant is likely to be tolerated. In summary, the available evidence is currently insufficient to determine the role of this variant in disease. Therefore, it has been classified as a Variant of Uncertain Significance.

NM_020832.3(ZNF687):c.732G>T (p.Lys244Asn)

Gene: ZNF687 (zinc finger protein 687; plus strand). Cytogenetic location: 1q21.3.
Variant type: single nucleotide variant.
Coding change: c.732G>T on transcript NM_020832.3 (MANE Select); coding-DNA position 732, G replaced by T.
Protein change: p.Lys244Asn; replaces lysine 244 with asparagine.
Molecular consequence: missense variant.
Genome position (GRCh38, 1-based): chr1:151,287,023, G>T. VCF-style: chr1-151287023-G-T. GRCh37 (hg19) VCF-style: chr1-151259499-G-T.
Other names: c.732G>T, p.Lys244Asn (NM_001304763.2, NM_001304764.2); short protein forms K244N.
Identifiers: ClinVar variation 3004889 (VCV003004889.3), dbSNP rs763363149, ClinGen allele CA1088202.